The following is an entry in ClinVar:

NM_007055.4(POLR3A):c.1283T>A (p.Met428Lys)

Gene: POLR3A (RNA polymerase III subunit A; minus strand). Cytogenetic location: 10q22.3.
Variant type: single nucleotide variant.
Coding change: c.1283T>A on transcript NM_007055.4 (MANE Select); coding-DNA position 1283, T replaced by A.
Protein change: p.Met428Lys; replaces methionine 428 with lysine.
Molecular consequence: missense variant.
Genome position (GRCh38, 1-based): chr10:78,019,168, A>T on the plus strand (T>A on the coding strand, the complement: POLR3A is on the minus strand). VCF-style: chr10-78019168-A-T. GRCh37 (hg19) VCF-style: chr10-79778926-A-T.
Other names: short protein forms M428K.
Identifiers: ClinVar variation 1717413 (VCV001717413.3), dbSNP rs2493233100, ClinGen allele CA377343464.
Genomic context (GRCh38, chr10:78,019,168, plus strand): 5'-GTGAGCTTTGCCATGAGAAAGTAGTTAAATCCAACTAGATTGGGAAAAGATTACCTTTTC[A>T]TCTGCGTATGTCTCTGCTGAATGAAGTTTGCTCCTGGGTGAACCTCAGGGCCGTTTTGAA-3'
Protein context (NP_008986.2, residues 418-438): ANFIQQRHTQ[Met428Lys]KRFLKYGNRE

ClinVar aggregate classification (germline): Uncertain significance (1 of 4 stars; one submission).

Submission:

Labcorp Genetics (formerly Invitae), Labcorp
Classification: Uncertain significance. Last evaluated: 2022-08-21. Review status: criteria provided, single submitter. Criteria: Invitae Variant Classification Sherloc (09022015). Collection method: clinical testing. Allele origin: germline.
Comment: This sequence change replaces methionine, which is neutral and non-polar, with lysine, which is basic and polar, at codon 428 of the POLR3A protein (p.Met428Lys). This variant is not present in population databases (gnomAD no frequency). This variant has not been reported in the literature in individuals affected with POLR3A-related conditions. Algorithms developed to predict the effect of missense changes on protein structure and function (SIFT, PolyPhen-2, Align-GVGD) all suggest that this variant is likely to be tolerated. In summary, the available evidence is currently insufficient to determine the role of this variant in disease. Therefore, it has been classified as a Variant of Uncertain Significance.